The following is an entry in ClinVar:

NM_000138.5(FBN1):c.4823A>T (p.Asp1608Val)

Gene: FBN1 (fibrillin 1; minus strand). Cytogenetic location: 15q21.1.
Variant type: single nucleotide variant.
Coding change: c.4823A>T on transcript NM_000138.5 (MANE Select); coding-DNA position 4823, A replaced by T.
Protein change: p.Asp1608Val; replaces aspartic acid 1608 with valine.
Molecular consequence: missense variant.
Genome position (GRCh38, 1-based): chr15:48,465,687, T>A on the plus strand (A>T on the coding strand, the complement: FBN1 is on the minus strand). VCF-style: chr15-48465687-T-A. GRCh37 (hg19) VCF-style: chr15-48757884-T-A.
Other names: c.4823A>T, p.Asp1608Val (NM_001406716.1); short protein forms D1608V.
Identifiers: ClinVar variation 3072799 (VCV003072799.1), dbSNP rs2505497203, ClinGen allele CA392351414.
Genomic context (GRCh38, chr15:48,465,687, plus strand): 5'-CTCCCAAAGGTGTTGATACATTTTCCTCCTTGGCACAGCCCTGGTAGCTCCTGGCACTCA[T>A]CAATATCTATCAAAATCAAAACAAAGGCATTCCTTTAGCATTGTAAATAAACCCAAGGAA-3'
Protein context (NP_000129.3, residues 1598-1618): NPITVILEDI[Asp1608Val]ECQELPGLCQ

ClinVar aggregate classification (germline): Uncertain significance (1 of 4 stars; one submission).

Conditions:
Marfan syndrome (MFS). Also called: MARFAN SYNDROME, TYPE I; Marfan syndrome type 1; Marfan's syndrome; Marfan syndrome, classic; FBN1-Related Marfan Syndrome. Identifiers: Orphanet 284963, Orphanet 558, MedGen C0024796, MONDO:0007947, OMIM 154700.

gnomAD v4.1: 1 of 1,614,110 alleles (0.000062%); highest among the groups gnomAD compares: South Asian, 0.0011%; no homozygotes.

Submission:

All of Us Research Program, National Institutes of Health
Classification: Uncertain significance for Marfan syndrome. Last evaluated: 2023-08-15. Review status: criteria provided, single submitter. Criteria: ACMG Guidelines, 2015. Collection method: clinical testing. Allele origin: germline. Inheritance: Autosomal dominant inheritance. Observed: 1 variant allele, 1 heterozygote.
Comment: This missense variant replaces aspartic acid with valine at codon 1608 of the FBN1 protein. Computational prediction suggests that this variant may have deleterious impact on protein structure and function (internally defined REVEL score threshold >= 0.7, PMID: 27666373). To our knowledge, functional studies have not been reported for this variant. This variant has not been reported in individuals affected with FBN1-related disorders in the literature. This variant has not been identified in the general population by the Genome Aggregation Database (gnomAD). The available evidence is insufficient to determine the role of this variant in disease conclusively. Therefore, this variant is classified as a Variant of Uncertain Significance.

This study involves interpretation of variants in research participants for the purpose of population health screening. Participant phenotype was not available at the time of variant classification. Additional details can be found in publication PMID: 35346344, PMCID: PMC8962531